The following is an entry in ClinVar:

NM_006440.5(TXNRD2):c.528+19C>T

Gene: TXNRD2 (thioredoxin reductase 2; minus strand). Cytogenetic location: 22q11.21.
Variant type: single nucleotide variant.
Coding change: c.528+19C>T on transcript NM_006440.5 (MANE Select); 19 bases into the intron after coding-DNA position 528, C replaced by T.
Molecular consequence: intron variant.
Genome position (GRCh38, 1-based): chr22:19,915,746, G>A on the plus strand (C>T on the coding strand, the complement: TXNRD2 is on the minus strand). VCF-style: chr22-19915746-G-A. GRCh37 (hg19) VCF-style: chr22-19903269-G-A.
Other names: c.525+19C>T (NM_001352300.2); c.240+19C>T (NM_001352302.2); c.438+19C>T (NM_001352301.2); c.528+19C>T (NM_001282512.3); c.432+19C>T (NM_001352303.2).
Identifiers: ClinVar variation 512016 (VCV000512016.2), dbSNP rs746285839, ClinGen allele CA10104167.
Genomic context (GRCh38, chr22:19,915,746, plus strand): 5'-GGCCAAACACAGCTGCAGTTGGTGCCCAAGGTCTGCAGAAGGGTCCACAAGGAGCCACGC[G>A]AGTAAGTCAGATGCTCACCTCTTTCCCACCTTTGGCAACGCCGCAAACCGTGTGCTCGTC-3'

ClinVar aggregate classification (germline): Likely benign. Review status: criteria provided, multiple submitters, no conflicts (2 of 4 stars). 2 submissions from 2 submitters: Likely benign (2). Last evaluated 2025-03-30.

Conditions:
Primary dilated cardiomyopathy (DCM). Also called: Dilated Cardiomyopathy. Identifiers: Orphanet 217604, MedGen C0007193, MeSH D002311, MONDO:0005021, HP:0001644. Inheritance: Various modes of inheritance.

Allele frequency attached by ClinVar (database versions not stated): ExAC 0.00001; gnomAD exomes 0.00003; TOPMed 0.00005; gnomAD 0.00006.
gnomAD v4.1: 29 of 1,613,198 alleles (0.0018%); highest among the groups gnomAD compares: African/African-American, 0.013%; no homozygotes.

Submissions (2):

Labcorp Genetics (formerly Invitae), Labcorp
Classification: Likely benign for Primary dilated cardiomyopathy. Last evaluated: 2025-03-30. Review status: criteria provided, single submitter. Criteria: Invitae Variant Classification Sherloc (09022015). Collection method: clinical testing. Allele origin: germline.

GeneDx
Classification: Likely benign. Last evaluated: 2017-09-11. Review status: criteria provided, single submitter. Criteria: GeneDx Variant Classification (06012015). Collection method: clinical testing. Allele origin: germline. Affected: yes.
Comment: This variant is considered likely benign or benign based on one or more of the following criteria: it is a conservative change, it occurs at a poorly conserved position in the protein, it is predicted to be benign by multiple in silico algorithms, and/or has population frequency not consistent with disease.